The following is an entry in ClinVar:

NM_006648.4(WNK2):c.4760C>T (p.Pro1587Leu)

Gene: WNK2 (WNK lysine deficient protein kinase 2; plus strand). Cytogenetic location: 9q22.31.
Variant type: single nucleotide variant.
Coding change: c.4760C>T on transcript NM_006648.4 (MANE Select); coding-DNA position 4760, C replaced by T.
Protein change: p.Pro1587Leu; replaces proline 1587 with leucine.
Molecular consequence: missense variant.
Genome position (GRCh38, 1-based): chr9:93,289,514, C>T. VCF-style: chr9-93289514-C-T. GRCh37 (hg19) VCF-style: chr9-96051796-C-T.
Other names: c.4871C>T, p.Pro1624Leu (NM_001282394.3); short protein forms P1587L, P1624L.
Identifiers: ClinVar variation 4201523 (VCV004201523.1).

ClinVar aggregate classification (germline): Uncertain significance (1 of 4 stars; one submission).

gnomAD v4.1: 3 of 1,602,778 alleles (0.00019%); highest among the groups gnomAD compares: East Asian, 0.0067%; no homozygotes.

Submission:

Ambry Genetics
Classification: Uncertain significance. Last evaluated: 2025-06-20. Review status: criteria provided, single submitter. Criteria: Ambry Variant Classification Scheme 2023. Collection method: clinical testing. Allele origin: germline.
Comment: The p.P1587L variant (also known as c.4760C>T), located in coding exon 19 of the WNK2 gene, results from a C to T substitution at nucleotide position 4760. The proline at codon 1587 is replaced by leucine, an amino acid with similar properties. This amino acid position is conserved. In addition, this alteration is predicted to be tolerated by in silico analysis. Based on the available evidence, the clinical significance of this variant remains unclear.